The following is an entry in ClinVar:

NM_001243133.2(NLRP3):c.714G>A (p.Met238Ile)

Gene: NLRP3 (NLR family pyrin domain containing 3; plus strand). Cytogenetic location: 1q44.
Variant type: single nucleotide variant.
Coding change: c.714G>A on transcript NM_001243133.2 (MANE Select); coding-DNA position 714, G replaced by A.
Protein change: p.Met238Ile; replaces methionine 238 with isoleucine.
Molecular consequence: missense variant.
Genome position (GRCh38, 1-based): chr1:247,424,163, G>A. VCF-style: chr1-247424163-G-A. GRCh37 (hg19) VCF-style: chr1-247587465-G-A.
Other names: c.714G>A, p.Met238Ile (NM_001079821.3, NM_001127461.3, NM_001127462.3 and 1 more transcripts); c.720G>A, p.Met240Ile (NM_004895.5); short protein forms M240I, M238I.
Identifiers: ClinVar variation 3695653 (VCV003695653.2).
Genomic context (GRCh38, chr1:247,424,163, plus strand): 5'-CACCGTGGTGTTCCAGGGGGCGGCAGGGATTGGGAAAACAATCCTGGCCAGGAAGATGAT[G>A]TTGGACTGGGCGTCGGGGACACTCTACCAAGACAGGTTTGACTATCTGTTCTATATCCAC-3'
Protein context (NP_001230062.1, residues 228-248): IGKTILARKM[Met238Ile]LDWASGTLYQ

ClinVar aggregate classification (germline): Uncertain significance (1 of 4 stars; one submission).

Conditions:
Cryopyrin associated periodic syndrome (CAPS). Identifiers: Orphanet 208650, MedGen C2316212, MONDO:0016168.

Submission:

Labcorp Genetics (formerly Invitae), Labcorp
Classification: Uncertain significance for Cryopyrin associated periodic syndrome. Last evaluated: 2024-02-04. Review status: criteria provided, single submitter. Criteria: Invitae Variant Classification Sherloc (09022015). Collection method: clinical testing. Allele origin: germline.
Comment: This sequence change replaces methionine, which is neutral and non-polar, with isoleucine, which is neutral and non-polar, at codon 240 of the NLRP3 protein (p.Met240Ile). This variant is not present in population databases (gnomAD no frequency). This variant has not been reported in the literature in individuals affected with NLRP3-related conditions. Advanced modeling of protein sequence and biophysical properties (such as structural, functional, and spatial information, amino acid conservation, physicochemical variation, residue mobility, and thermodynamic stability) has been performed at Invitae for this missense variant, however the output from this modeling did not meet the statistical confidence thresholds required to predict the impact of this variant on NLRP3 protein function. In summary, the available evidence is currently insufficient to determine the role of this variant in disease. Therefore, it has been classified as a Variant of Uncertain Significance.